The following is an entry in ClinVar:

ClinVar aggregate classification (germline): Benign/Likely benign. Review status: criteria provided, multiple submitters, no conflicts (2 of 4 stars). 6 submissions from 6 submitters: Benign (2); Likely benign (4). Last evaluated 2025-09-29.

Conditions:
Hereditary cancer-predisposing syndrome. Also called: Neoplastic Syndromes, Hereditary; Tumor predisposition; Hereditary Cancer Syndrome; Hereditary neoplastic syndrome. Identifiers: Orphanet 140162, MedGen C0027672, MeSH D009386, MONDO:0015356.
Tuberous sclerosis syndrome (TSC). Also called: Tuberous Sclerosis Complex; Tuberous sclerosis. Identifiers: Orphanet 805, MedGen C0041341, MONDO:0001734.
Tuberous sclerosis 2 (TSC2). Identifiers: Orphanet 805, MedGen C1860707, MONDO:0013199, OMIM 613254.

Allele frequency attached by ClinVar (database versions not stated): TOPMed below 0.00001; gnomAD 0.00001.
gnomAD v4.1: 17 of 1,612,966 alleles (0.0011%); highest among the groups gnomAD compares: Non-Finnish European, 0.0014%; no homozygotes.

Submissions (6):

Labcorp Genetics (formerly Invitae), Labcorp
Classification: Likely benign for Tuberous sclerosis 2. Last evaluated: 2025-09-29. Review status: criteria provided, single submitter. Criteria: Invitae Variant Classification Sherloc (09022015). Collection method: clinical testing. Allele origin: germline.

Myriad Genetics, Inc.
Classification: Benign for Tuberous sclerosis 2. Last evaluated: 2025-05-27. Review status: criteria provided, single submitter. Criteria: Myriad Autosomal Dominant, Autosomal Recessive and X-Linked Classification Criteria (2023). Collection method: clinical testing. Allele origin: unknown.
Comment: This variant is considered benign. This variant is a silent/synonymous amino acid change and it is not expected to impact splicing.

All of Us Research Program, National Institutes of Health
Classification: Likely benign for Tuberous sclerosis syndrome. Last evaluated: 2023-12-18. Review status: criteria provided, single submitter. Criteria: ACMG Guidelines, 2015. Collection method: clinical testing. Allele origin: germline. Inheritance: Autosomal dominant inheritance. Observed: 7 variant alleles, 7 heterozygotes.
Comment: This study involves interpretation of variants in research participants for the purpose of population health screening. Participant phenotype was not available at the time of variant classification. Additional details can be found in publication PMID: 35346344, PMCID: PMC8962531

Genome-Nilou Lab
Classification: Benign for Tuberous sclerosis 2. Last evaluated: 2021-11-07. Review status: criteria provided, single submitter. Criteria: ACMG Guidelines, 2015. Collection method: clinical testing. Allele origin: germline. Affected: no.

Blueprint Genetics
Classification: Likely benign. Last evaluated: 2020-04-14. Review status: criteria provided, single submitter. Criteria: ACMG Guidelines, 2015. Collection method: clinical testing. Allele origin: germline.

Ambry Genetics
Classification: Likely benign for Hereditary cancer-predisposing syndrome. Last evaluated: 2019-11-22. Review status: criteria provided, single submitter. Criteria: Ambry Variant Classification Scheme 2023. Collection method: clinical testing. Allele origin: germline.

NM_000548.5(TSC2):c.3057C>T (p.His1019=)

Gene: TSC2 (TSC complex subunit 2; plus strand). Cytogenetic location: 16p13.3.
Variant type: single nucleotide variant.
Coding change: c.3057C>T on transcript NM_000548.5 (MANE Select); coding-DNA position 3057, C replaced by T.
Protein change: p.His1019=; no amino-acid change (histidine 1019 retained).
Molecular consequence: synonymous variant.
Genome position (GRCh38, 1-based): chr16:2,079,122, C>T. VCF-style: chr16-2079122-C-T. GRCh37 (hg19) VCF-style: chr16-2129123-C-T.
Other names: c.2925C>T, p.His975= (NM_001077183.3, NM_001370404.1); c.3057C>T, p.His1019= (NM_001114382.3); c.2817C>T, p.His939= (NM_001318827.2); c.2781C>T, p.His927= (NM_001318829.2); c.2325C>T, p.His775= (NM_001318831.2); c.2958C>T, p.His986= (NM_001318832.2); c.2928C>T, p.His976= (NM_001363528.2, NM_001370405.1, NM_021055.3).
Identifiers: ClinVar variation 413689 (VCV000413689.19), dbSNP rs1060504102, ClinGen allele CA16614755.